The following is an entry in ClinVar:

ClinVar aggregate classification (germline): Likely benign. Review status: criteria provided, single submitter (1 of 4 stars). 2 submissions from 2 submitters: Likely benign (1). 1 of the submissions does not count toward it. Last evaluated 2018-11-15.

Conditions:
LRFN5-related disorder. Also called: LRFN5-related condition.

Allele frequency attached by ClinVar (database versions not stated): gnomAD exomes 0.00001 and 0.00002; gnomAD 0.00003 and 0.00004; TOPMed 0.00003.
gnomAD v4.1: 34 of 1,614,078 alleles (0.0021%); highest among the groups gnomAD compares: African/African-American, 0.0027%; no homozygotes.

Submissions (2):

Labcorp Genetics (formerly Invitae), Labcorp
Classification: Likely benign. Last evaluated: 2018-11-15. Review status: criteria provided, single submitter. Criteria: Invitae Variant Classification Sherloc (09022015). Collection method: clinical testing. Allele origin: germline.

PreventionGenetics, part of Exact Sciences
Classification: Likely benign for LRFN5-related condition. Last evaluated: 2023-10-18. Review status: no assertion criteria provided. Collection method: clinical testing. Allele origin: germline. Not counted in ClinVar's aggregate classification.
Comment: This variant is classified as likely benign based on ACMG/AMP sequence variant interpretation guidelines (Richards et al. 2015 PMID: 25741868, with internal and published modifications).

NM_152447.5(LRFN5):c.594T>C (p.Thr198=)

Gene: LRFN5 (leucine rich repeat and fibronectin type III domain containing 5; plus strand). Cytogenetic location: 14q21.1.
Variant type: single nucleotide variant.
Coding change: c.594T>C on transcript NM_152447.5 (MANE Select); coding-DNA position 594, T replaced by C.
Protein change: p.Thr198=; no amino-acid change (threonine 198 retained).
Molecular consequence: synonymous variant. On other transcripts: non-coding transcript variant (2).
Genome position (GRCh38, 1-based): chr14:41,887,219, T>C. VCF-style: chr14-41887219-T-C. GRCh37 (hg19) VCF-style: chr14-42356422-T-C.
Other names: c.594T>C, p.Thr198= (NM_001330106.2, NM_001346173.2, NM_001346175.2); c.594T>C (NM_001346173.1).
Identifiers: ClinVar variation 795095 (VCV000795095.5), dbSNP rs1448844632, ClinGen allele CA486355292.